The following is an entry in ClinVar:

ClinVar aggregate classification (germline): Uncertain significance. Review status: criteria provided, multiple submitters, no conflicts (2 of 4 stars). 3 submissions from 3 submitters: Uncertain significance (3). Last evaluated 2026-08-24.

Conditions:
Cardiovascular phenotype. Identifiers: MedGen CN230736.

Allele frequency attached by ClinVar (database versions not stated): gnomAD 0.00001.
gnomAD v4.1: 1 of 1,612,710 alleles (0.000062%); highest among the groups gnomAD compares: Non-Finnish European, 0.000085%; no homozygotes.

Submissions (3):

Ambry Genetics
Classification: Uncertain significance for Cardiovascular phenotype. Last evaluated: 2026-08-24. Review status: criteria provided, single submitter. Criteria: Ambry Variant Classification Scheme 2023. Collection method: clinical testing. Allele origin: germline.
Comment: The p.V468M variant (also known as c.1402G>A), located in coding exon 8 of the FLNC gene, results from a G to A substitution at nucleotide position 1402. The valine at codon 468 is replaced by methionine, an amino acid with highly similar properties. This amino acid position is conserved. In addition, the in silico prediction for this alteration is inconclusive. Based on the available evidence, the clinical significance of this variant remains unclear.

Mayo Clinic Laboratories, Mayo Clinic
Classification: Uncertain significance. Last evaluated: 2025-07-30. Review status: criteria provided, single submitter. Criteria: ACMG Guidelines, 2015. Collection method: clinical testing. Allele origin: germline. Observed: 1 variant allele.
Comment: PM2_supporting

GeneDx
Classification: Uncertain significance. Last evaluated: 2024-05-07. Review status: criteria provided, single submitter. Criteria: GeneDx Variant Classification Process June 2021. Collection method: clinical testing. Allele origin: germline. Affected: yes.
Comment: Not observed at significant frequency in large population cohorts (gnomAD); In silico analysis supports that this missense variant has a deleterious effect on protein structure/function; Has not been previously published as pathogenic or benign to our knowledge

NM_001458.5(FLNC):c.1402G>A (p.Val468Met)

Gene: FLNC (filamin C; plus strand). Cytogenetic location: 7q32.1.
Variant type: single nucleotide variant.
Coding change: c.1402G>A on transcript NM_001458.5 (MANE Select); coding-DNA position 1402, G replaced by A.
Protein change: p.Val468Met; replaces valine 468 with methionine.
Molecular consequence: missense variant.
Genome position (GRCh38, 1-based): chr7:128,838,794, G>A. VCF-style: chr7-128838794-G-A. GRCh37 (hg19) VCF-style: chr7-128478848-G-A.
Other names: p.Val468Met; c.1402G>A, p.Val468Met (NM_001127487.2); short protein forms V468M.
Identifiers: ClinVar variation 3095669 (VCV003095669.4), dbSNP rs1808211990, ClinGen allele CA369225258.
Genomic context (GRCh38, chr7:128,838,794, plus strand): 5'-CATACCGTGCATGTGGCCTTTGCGGGTGCCCCCATCACCCGCAGTCCCTTCCCTGTCCAT[G>A]TGTCGGAAGGTAAGGGCCCTTCACTGCTCCCCACGGTAGCCCTTACCAAAGCCAGAGGCT-3'
Protein context (NP_001449.3, residues 458-478): PITRSPFPVH[Val468Met]SEACNPNACR